The following is an entry in ClinVar:

ClinVar aggregate classification (germline): Uncertain significance (1 of 4 stars; one submission).

Conditions:
Inborn genetic diseases. Identifiers: MedGen C0950123, MeSH D030342.

Allele frequency attached by ClinVar (database versions not stated): gnomAD exomes 0.00001; TOPMed 0.00002.
gnomAD v4.1: 12 of 1,609,544 alleles (0.00075%); highest among the groups gnomAD compares: South Asian, 0.0044%; no homozygotes.

Submission:

Ambry Genetics
Classification: Uncertain significance for Inborn genetic diseases. Last evaluated: 2022-03-25. Review status: criteria provided, single submitter. Criteria: Ambry Variant Classification Scheme 2023. Collection method: clinical testing. Allele origin: germline.
Comment: The c.2357G>A (p.R786Q) alteration is located in exon 8 (coding exon 8) of the JARID2 gene. This alteration results from a G to A substitution at nucleotide position 2357, causing the arginine (R) at amino acid position 786 to be replaced by a glutamine (Q). Based on data from gnomAD, the A allele has an overall frequency of <0.01% (2/248038) total alleles studied. The highest observed frequency was 0.01% (2/30384) of South Asian alleles. This amino acid position is highly conserved in available vertebrate species. This missense alteration is located in a region that has a low rate of benign missense variation (Lek, 2016; Firth, 2009). The in silico prediction for this alteration is inconclusive. Based on insufficient or conflicting evidence, the clinical significance of this alteration remains unclear.

NM_004973.4(JARID2):c.2357G>A (p.Arg786Gln)

Gene: JARID2 (jumonji and AT-rich interaction domain containing 2; plus strand). Cytogenetic location: 6p22.3.
Variant type: single nucleotide variant.
Coding change: c.2357G>A on transcript NM_004973.4 (MANE Select); coding-DNA position 2357, G replaced by A.
Protein change: p.Arg786Gln; replaces arginine 786 with glutamine.
Molecular consequence: missense variant.
Genome position (GRCh38, 1-based): chr6:15,501,318, G>A. VCF-style: chr6-15501318-G-A. GRCh37 (hg19) VCF-style: chr6-15501549-G-A.
Other names: c.1841G>A, p.Arg614Gln (NM_001267040.1); short protein forms R614Q, R786Q.
Identifiers: ClinVar variation 2216331 (VCV002216331.2), dbSNP rs1371432770, ClinGen allele CA362799247.